The following is an entry in ClinVar:

ClinVar aggregate classification (germline): Uncertain significance (1 of 4 stars; one submission).

Conditions:
Psoriasis 2. Identifiers: MedGen C1864497, MONDO:0011269, OMIM 602723.
Pityriasis rubra pilaris (PRP). Also called: Pityriasis rubra pilaris--familial type. Identifiers: Orphanet 2897, MedGen C0032027, MONDO:0100017, OMIM 173200, MONDO:0008251.

Allele frequency attached by ClinVar (database versions not stated): TOPMed below 0.00001; gnomAD 0.00001.
gnomAD v4.1: 5 of 1,611,748 alleles (0.00031%); highest among the groups gnomAD compares: East Asian, 0.0022%; no homozygotes.

Submission:

Labcorp Genetics (formerly Invitae), Labcorp
Classification: Uncertain significance for Pityriasis rubra pilaris; Psoriasis 2. Last evaluated: 2024-11-12. Review status: criteria provided, single submitter. Criteria: Invitae Variant Classification Sherloc (09022015). Collection method: clinical testing. Allele origin: germline.
Comment: This sequence change replaces proline, which is neutral and non-polar, with arginine, which is basic and polar, at codon 496 of the CARD14 protein (p.Pro496Arg). This variant is not present in population databases (gnomAD no frequency). This variant has not been reported in the literature in individuals affected with CARD14-related conditions. ClinVar contains an entry for this variant (Variation ID: 2934893). Invitae Evidence Modeling of protein sequence and biophysical properties (such as structural, functional, and spatial information, amino acid conservation, physicochemical variation, residue mobility, and thermodynamic stability) indicates that this missense variant is not expected to disrupt CARD14 protein function with a negative predictive value of 95%. In summary, the available evidence is currently insufficient to determine the role of this variant in disease. Therefore, it has been classified as a Variant of Uncertain Significance.

NM_001366385.1(CARD14):c.1487C>G (p.Pro496Arg)

Gene: CARD14 (caspase recruitment domain family member 14; plus strand). Cytogenetic location: 17q25.3.
Variant type: single nucleotide variant.
Coding change: c.1487C>G on transcript NM_001366385.1 (MANE Select); coding-DNA position 1487, C replaced by G.
Protein change: p.Pro496Arg; replaces proline 496 with arginine.
Molecular consequence: missense variant. On other transcripts: non-coding transcript variant (1).
Genome position (GRCh38, 1-based): chr17:80,195,321, C>G. VCF-style: chr17-80195321-C-G. GRCh37 (hg19) VCF-style: chr17-78169120-C-G.
Other names: c.1487C>G, p.Pro496Arg (NM_001257970.1, NM_024110.4); c.776C>G, p.Pro259Arg (NM_052819.3); short protein forms P259R, P496R.
Identifiers: ClinVar variation 2934893 (VCV002934893.3), dbSNP rs2040672145, ClinGen allele CA401349223.